The following is an entry in ClinVar:

NM_004525.3(LRP2):c.428-8T>A

Gene: LRP2 (LDL receptor related protein 2; minus strand). Cytogenetic location: 2q31.1.
Variant type: single nucleotide variant.
Coding change: c.428-8T>A on transcript NM_004525.3 (MANE Select); 8 bases into the intron before coding-DNA position 428, T replaced by A.
Molecular consequence: intron variant.
Genome position (GRCh38, 1-based): chr2:169,294,718, A>T on the plus strand (T>A on the coding strand, the complement: LRP2 is on the minus strand). VCF-style: chr2-169294718-A-T. GRCh37 (hg19) VCF-style: chr2-170151228-A-T.
Identifiers: ClinVar variation 332205 (VCV000332205.11), dbSNP rs761869255, ClinGen allele CA1955873.
Genomic context (GRCh38, chr2:169,294,718, plus strand): 5'-GGTGTTATAGCAGGCCCCATTGTCACAAGTAAGCTGCTCACATGTTGGGTACTCTATTGT[A>T]AAAAAAAAAAAAAAAAAAAAAAGGAAAAGGAAACAGTAAACAAACCTTAAATTTCCTTCA-3'

ClinVar aggregate classification (germline): Conflicting classifications of pathogenicity. Review status: criteria provided, conflicting classifications (1 of 4 stars). 3 submissions from 3 submitters: Uncertain significance (1); Likely benign (1). 1 of the submissions does not count toward it. Last evaluated 2023-11-01.

Conditions:
LRP2-related disorder. Also called: LRP2-related condition.
Donnai-Barrow syndrome. Also called: DBS/FOAR SYNDROME; FACIOOCULOACOUSTICORENAL SYNDROME. Identifiers: Orphanet 2143, MedGen C1857277, MONDO:0009104, OMIM 222448.

Allele frequency attached by ClinVar (database versions not stated): ExAC below 0.00001; gnomAD exomes 0.05647.

Submissions (3):

Labcorp Genetics (formerly Invitae), Labcorp
Classification: Likely benign. Last evaluated: 2023-11-01. Review status: criteria provided, single submitter. Criteria: Invitae Variant Classification Sherloc (09022015). Collection method: clinical testing. Allele origin: germline.

Illumina Laboratory Services, Illumina
Classification: Uncertain significance for Donnai-Barrow syndrome. Last evaluated: 2018-01-13. Review status: criteria provided, single submitter. Criteria: ICSL Variant Classification Criteria 13 December 2019. Collection method: clinical testing. Allele origin: germline.

PreventionGenetics, part of Exact Sciences
Classification: Benign for LRP2-related condition. Last evaluated: 2019-07-25. Review status: no assertion criteria provided. Collection method: clinical testing. Allele origin: germline. Not counted in ClinVar's aggregate classification.
Comment: This variant is classified as benign based on ACMG/AMP sequence variant interpretation guidelines (Richards et al. 2015 PMID: 25741868, with internal and published modifications).